The following is an entry in ClinVar:

ClinVar aggregate classification (germline): Conflicting classifications of pathogenicity. Review status: criteria provided, conflicting classifications (1 of 4 stars). 2 submissions from 2 submitters: Uncertain significance (1); Likely benign (1). Last evaluated 2025-03-17.

Conditions:
DYRK1A-related intellectual disability syndrome (MRD7). Also called: DYRK1A Syndrome; Intellectual developmental disorder, autosomal dominant 7. Identifiers: Orphanet 464306, MedGen C5568143, MONDO:0013578, OMIM 614104.

Submissions (2):

Labcorp Genetics (formerly Invitae), Labcorp
Classification: Likely benign for DYRK1A-related intellectual disability syndrome. Last evaluated: 2025-03-17. Review status: criteria provided, single submitter. Criteria: Invitae Variant Classification Sherloc (09022015). Collection method: clinical testing. Allele origin: germline.

Greenwood Genetic Center Diagnostic Laboratories, Greenwood Genetic Center
Classification: Uncertain significance. Last evaluated: 2024-08-27. Review status: criteria provided, single submitter. Criteria: ACMG Guidelines, 2015. Collection method: clinical testing. Allele origin: germline. Affected: yes.
Comment: PM2

NM_001347721.2(DYRK1A):c.2028G>A (p.Val676=)

Gene: DYRK1A (dual specificity tyrosine phosphorylation regulated kinase 1A; plus strand). Cytogenetic location: 21q22.13.
Variant type: single nucleotide variant.
Coding change: c.2028G>A on transcript NM_001347721.2 (MANE Select); coding-DNA position 2028, G replaced by A.
Protein change: p.Val676=; no amino-acid change (valine 676 retained).
Molecular consequence: synonymous variant. On other transcripts: 3 prime UTR variant (2).
Genome position (GRCh38, 1-based): chr21:37,512,294, G>A. VCF-style: chr21-37512294-G-A. GRCh37 (hg19) VCF-style: chr21-38884597-G-A.
Other names: c.2055G>A (NM_001396.4); c.2028G>A, p.Val676= (NM_001347722.2, NM_130436.2); c.1941G>A, p.Val647= (NM_001347723.2); c.2055G>A, p.Val685= (NM_001396.5); c.*431G>A (NM_101395.2); c.*340G>A (NM_130438.2).
Identifiers: ClinVar variation 3704619 (VCV003704619.3).